The following is an entry in ClinVar:

NM_001205293.3(CACNA1E):c.3501del (p.Ser1167fs)

Gene: CACNA1E (calcium voltage-gated channel subunit alpha1 E; plus strand). Cytogenetic location: 1q25.3.
Variant type: Deletion.
Coding change: c.3501del on transcript NM_001205293.3 (MANE Select); coding-DNA position 3501, one base deleted (C; older notation c.3501delC).
Protein change: p.Ser1167fs; shifts the reading frame from serine 1167.
Molecular consequence: frameshift variant.
Genome position (GRCh38, 1-based): chr1:181,737,603, C deleted. VCF-style (leftmost placement, unchanged base first): chr1-181737602-GC-G. GRCh37 (hg19) VCF-style: chr1-181706738-GC-G.
Other names: c.3501del, p.Ser1167fs (NM_000721.4); c.3444del, p.Ser1148fs (NM_001205294.2); short protein forms S1148fs, S1167fs.
Identifiers: ClinVar variation 4086610 (VCV004086610.1).

ClinVar aggregate classification (germline): Uncertain significance (1 of 4 stars; one submission).

Submission:

GeneDx
Classification: Uncertain significance. Last evaluated: 2025-03-18. Review status: criteria provided, single submitter. Criteria: GeneDx Variant Classification Process June 2021. Collection method: clinical testing. Allele origin: germline. Affected: yes.
Comment: Not observed at significant frequency in large population cohorts (gnomAD); Frameshift variant predicted to result in protein truncation or nonsense mediated decay in a gene or region of a gene for which loss of function is not a well-established mechanism of disease; Has not been previously published as pathogenic or benign to our knowledge